The following is an entry in ClinVar:

ClinVar aggregate classification (germline): Uncertain significance (1 of 4 stars; one submission).

Conditions:
BAP1-related tumor predisposition syndrome (TPDS1). Also called: TUMOR PREDISPOSITION SYNDROME 1; BAP1 tumor predisposition syndrome; Tumor susceptibility linked to germline BAP1 mutations; COMMON Syndrome. Identifiers: Orphanet 289539, MedGen C3280492, MONDO:0013692, OMIM 614327.

Submission:

Labcorp Genetics (formerly Invitae), Labcorp
Classification: Uncertain significance for BAP1-related tumor predisposition syndrome. Last evaluated: 2019-08-25. Review status: criteria provided, single submitter. Criteria: Invitae Variant Classification Sherloc (09022015). Collection method: clinical testing. Allele origin: germline.
Comment: In summary, the available evidence is currently insufficient to determine the role of this variant in disease. Therefore, it has been classified as a Variant of Uncertain Significance. Algorithms developed to predict the effect of missense changes on protein structure and function are either unavailable or do not agree on the potential impact of this missense change (SIFT: "Deleterious"; PolyPhen-2: "Possibly Damaging"; Align-GVGD: "Class C15"). This variant has not been reported in the literature in individuals with BAP1-related conditions. This variant is not present in population databases (ExAC no frequency). This sequence change replaces cysteine with tryptophan at codon 638 of the BAP1 protein (p.Cys638Trp). The cysteine residue is highly conserved and there is a large physicochemical difference between cysteine and tryptophan.

NM_004656.4(BAP1):c.1914T>G (p.Cys638Trp)

Gene: BAP1 (BRCA1 associated deubiquitinase 1; minus strand). Cytogenetic location: 3p21.1.
Variant type: single nucleotide variant.
Coding change: c.1914T>G on transcript NM_004656.4 (MANE Select); coding-DNA position 1914, T replaced by G.
Protein change: p.Cys638Trp; replaces cysteine 638 with tryptophan.
Molecular consequence: missense variant.
Genome position (GRCh38, 1-based): chr3:52,402,848, A>C on the plus strand (T>G on the coding strand, the complement: BAP1 is on the minus strand). VCF-style: chr3-52402848-A-C. GRCh37 (hg19) VCF-style: chr3-52436864-A-C.
Other names: short protein forms C638W.
Identifiers: ClinVar variation 938698 (VCV000938698.7), dbSNP rs1559585439, ClinGen allele CA353096826.